The following is an entry in ClinVar:

NM_032608.7(MYO18B):c.4021G>A (p.Val1341Ile)

Gene: MYO18B (myosin XVIIIB; plus strand). Cytogenetic location: 22q12.1.
Variant type: single nucleotide variant.
Coding change: c.4021G>A on transcript NM_032608.7 (MANE Select); coding-DNA position 4021, G replaced by A.
Protein change: p.Val1341Ile; replaces valine 1341 with isoleucine.
Molecular consequence: missense variant.
Genome position (GRCh38, 1-based): chr22:25,874,355, G>A. VCF-style: chr22-25874355-G-A. GRCh37 (hg19) VCF-style: chr22-26270322-G-A.
Other names: c.4024G>A, p.Val1342Ile (NM_001318245.2); short protein forms V1341I, V1342I.
Identifiers: ClinVar variation 1404189 (VCV001404189.5), dbSNP rs377101901, ClinGen allele CA322792686.
Genomic context (GRCh38, chr22:25,874,355, plus strand): 5'-AAGGCAGGTGTGATCTCCAGGCTTGAGAAGCAGCGAGAGAAGCTGGTATCTCAGAGCATC[G>A]TTCTCTTCCAGGCGGCTTGCAAGGGCTTTCTGTCTCGCCAGGAATTCAAGAAGCTGAAGG-3'
Protein context (NP_115997.5, residues 1331-1351): QREKLVSQSI[Val1341Ile]LFQAACKGFL

ClinVar aggregate classification (germline): Conflicting classifications of pathogenicity. Review status: criteria provided, conflicting classifications (1 of 4 stars). 2 submissions from 2 submitters: Uncertain significance (1); Likely benign (1). Last evaluated 2025-09-02.

Allele frequency attached by ClinVar (database versions not stated): gnomAD 0.00006; ESP Exome Variant Server 0.00017.
gnomAD v4.1: 97 of 1,613,858 alleles (0.006%); highest among the groups gnomAD compares: East Asian, 0.073%; no homozygotes.

Submissions (2):

Labcorp Genetics (formerly Invitae), Labcorp
Classification: Uncertain significance. Last evaluated: 2025-09-02. Review status: criteria provided, single submitter. Criteria: Invitae Variant Classification Sherloc (09022015). Collection method: clinical testing. Allele origin: germline.
Comment: This sequence change replaces valine, which is neutral and non-polar, with isoleucine, which is neutral and non-polar, at codon 1341 of the MYO18B protein (p.Val1341Ile). This variant is present in population databases (rs377101901, gnomAD 0.008%). This variant has not been reported in the literature in individuals affected with MYO18B-related conditions. ClinVar contains an entry for this variant (Variation ID: 1404189). An algorithm developed to predict the effect of missense changes on protein structure and function outputs the following: PolyPhen-2: "Benign". The isoleucine amino acid residue is found in multiple mammalian species, which suggests that this missense change does not adversely affect protein function. In summary, the available evidence is currently insufficient to determine the role of this variant in disease. Therefore, it has been classified as a Variant of Uncertain Significance.

Blueprint Genetics
Classification: Likely benign. Last evaluated: 2024-10-22. Review status: criteria provided, single submitter. Criteria: ACMG Guidelines, 2015. Collection method: clinical testing. Allele origin: germline.